The following is an entry in ClinVar:

ClinVar aggregate classification (germline): Uncertain significance. Review status: criteria provided, multiple submitters, no conflicts (2 of 4 stars). 5 submissions from 5 submitters: Uncertain significance (5). Last evaluated 2025-10-01.

Conditions:
Colorectal cancer, susceptibility to, 1. Also called: COLORECTAL ADENOMA AND CANCER, SUSCEPTIBILITY TO; COLORECTAL CANCER, SUSCEPTIBILITY TO, ON CHROMOSOME 9. Identifiers: MedGen C1837315, MONDO:0012132, OMIM 608812.

Allele frequency attached by ClinVar (database versions not stated): ExAC 0.00003; gnomAD 0.00003; TOPMed 0.00003; gnomAD exomes 0.00004.
gnomAD v4.1: 71 of 1,613,952 alleles (0.0044%); highest among the groups gnomAD compares: Non-Finnish European, 0.0058%; no homozygotes.

Submissions (5):

Quest Diagnostics Nichols Institute San Juan Capistrano
Classification: Uncertain significance. Last evaluated: 2025-10-01. Review status: criteria provided, single submitter. Criteria: Quest Diagnostics criteria. Collection method: clinical testing. Allele origin: unknown.
Comment: The GALNT12 c.1216C>A (p.Pro406Thr) variant has been reported in the published literature in an individual with a personal or family history of breast/ovarian cancer (PMID: 27153395 (2016)). The frequency of this variant in the general population (Genome Aggregation Database) is uninformative in the assessment of its pathogenicity. Analysis of this variant using bioinformatics tools for the prediction of the effect of amino acid changes on protein structure and function yielded conflicting predictions that this variant is benign or damaging. Based on the available information, we are unable to determine the clinical significance of this variant.

Labcorp Genetics (formerly Invitae), Labcorp
Classification: Uncertain significance. Last evaluated: 2025-05-19. Review status: criteria provided, single submitter. Criteria: Invitae Variant Classification Sherloc (09022015). Collection method: clinical testing. Allele origin: germline.
Comment: This sequence change replaces proline, which is neutral and non-polar, with threonine, which is neutral and polar, at codon 406 of the GALNT12 protein (p.Pro406Thr). This variant is present in population databases (rs769837927, gnomAD 0.006%). This variant has not been reported in the literature in individuals affected with GALNT12-related conditions. ClinVar contains an entry for this variant (Variation ID: 485664). Invitae Evidence Modeling of protein sequence and biophysical properties (such as structural, functional, and spatial information, amino acid conservation, physicochemical variation, residue mobility, and thermodynamic stability) indicates that this missense variant is not expected to disrupt GALNT12 protein function with a negative predictive value of 80%. In summary, the available evidence is currently insufficient to determine the role of this variant in disease. Therefore, it has been classified as a Variant of Uncertain Significance.

Fulgent Genetics
Classification: Uncertain significance for Colorectal cancer, susceptibility to, 1. Last evaluated: 2024-04-16. Review status: criteria provided, single submitter. Criteria: ACMG Guidelines, 2015. Collection method: clinical testing. Allele origin: germline.

Baylor Genetics
Classification: Uncertain significance for Colorectal cancer, susceptibility to, 1. Last evaluated: 2024-03-19. Review status: criteria provided, single submitter. Criteria: ACMG Guidelines, 2015. Collection method: clinical testing. Allele origin: unknown.

Ambry Genetics
Classification: Uncertain significance. Last evaluated: 2024-02-24. Review status: criteria provided, single submitter. Criteria: Ambry Variant Classification Scheme 2023. Collection method: clinical testing. Allele origin: germline.
Comment: The p.P406T variant (also known as c.1216C>A), located in coding exon 7 of the GALNT12 gene, results from a C to A substitution at nucleotide position 1216. The proline at codon 406 is replaced by threonine, an amino acid with highly similar properties. This amino acid position is well conserved in available vertebrate species. In addition, this alteration is predicted to be tolerated by in silico analysis. The evidence for this gene-disease relationship is limited; therefore, the clinical significance of this alteration is unclear.

Literature cited by the submitters: PubMed 27153395 (cited by Quest Diagnostics Nichols Institute San Juan Capistrano).

NM_024642.5(GALNT12):c.1216C>A (p.Pro406Thr)

Gene: GALNT12 (polypeptide N-acetylgalactosaminyltransferase 12; plus strand). Cytogenetic location: 9q22.33.
Variant type: single nucleotide variant.
Coding change: c.1216C>A on transcript NM_024642.5 (MANE Select); coding-DNA position 1216, C replaced by A.
Protein change: p.Pro406Thr; replaces proline 406 with threonine.
Molecular consequence: missense variant.
Genome position (GRCh38, 1-based): chr9:98,840,005, C>A. VCF-style: chr9-98840005-C-A. GRCh37 (hg19) VCF-style: chr9-101602287-C-A.
Other names: short protein forms P406T.
Identifiers: ClinVar variation 485664 (VCV000485664.20), dbSNP rs769837927, ClinGen allele CA5154209.